The following is an entry in ClinVar:

NM_012208.4(HARS2):c.1316C>G (p.Ala439Gly)

Gene: HARS2 (histidyl-tRNA synthetase 2, mitochondrial; plus strand). Cytogenetic location: 5q31.3.
Variant type: single nucleotide variant.
Coding change: c.1316C>G on transcript NM_012208.4 (MANE Select); coding-DNA position 1316, C replaced by G.
Protein change: p.Ala439Gly; replaces alanine 439 with glycine.
Molecular consequence: missense variant.
Genome position (GRCh38, 1-based): chr5:140,697,933, C>G. VCF-style: chr5-140697933-C-G. GRCh37 (hg19) VCF-style: chr5-140077518-C-G.
Other names: c.1241C>G, p.Ala414Gly (NM_001278731.2); c.884C>G, p.Ala295Gly (NM_001278732.2); c.1334C>G, p.Ala445Gly (NM_001363535.2); c.1106C>G, p.Ala369Gly (NM_001363536.2); short protein forms A295G, A369G, A414G, A439G, A445G.
Identifiers: ClinVar variation 1707990 (VCV001707990.2), dbSNP rs1160767461, ClinGen allele CA361203038.

ClinVar aggregate classification (germline): Uncertain significance (1 of 4 stars; one submission).

Allele frequency attached by ClinVar (database versions not stated): gnomAD 0.00001.
gnomAD v4.1: 1 of 1,613,386 alleles (0.000062%); highest among the groups gnomAD compares: Non-Finnish European, 0.000085%; no homozygotes.

Submission:

GeneDx
Classification: Uncertain significance. Last evaluated: 2022-03-28. Review status: criteria provided, single submitter. Criteria: GeneDx Variant Classification Process June 2021. Collection method: clinical testing. Allele origin: germline. Affected: yes.
Comment: Not observed at significant frequency in large population cohorts (gnomAD); In silico analysis supports that this missense variant has a deleterious effect on protein structure/function; Has not been previously published as pathogenic or benign to our knowledge